The following is an entry in ClinVar:

NM_006147.4(IRF6):c.181G>A (p.Ala61Thr)

Gene: IRF6 (interferon regulatory factor 6; minus strand). Cytogenetic location: 1q32.2.
Variant type: single nucleotide variant.
Coding change: c.181G>A on transcript NM_006147.4 (MANE Select); coding-DNA position 181, G replaced by A.
Protein change: p.Ala61Thr; replaces alanine 61 with threonine.
Molecular consequence: missense variant. On other transcripts: 5 prime UTR variant (1).
Genome position (GRCh38, 1-based): chr1:209,796,546, C>T on the plus strand (G>A on the coding strand, the complement: IRF6 is on the minus strand). VCF-style: chr1-209796546-C-T. GRCh37 (hg19) VCF-style: chr1-209969891-C-T.
Other names: c.-105G>A (NM_001206696.2); short protein forms A61T.
Identifiers: ClinVar variation 372770 (VCV000372770.1), dbSNP rs1057517975, ClinGen allele CA16042331.

ClinVar aggregate classification (germline): Likely pathogenic (1 of 4 stars; one submission).

Allele frequency attached by ClinVar (database versions not stated): gnomAD exomes below 0.00001.
gnomAD v4.1: 1 of 1,612,572 alleles (0.000062%); highest among the groups gnomAD compares: Non-Finnish European, 0.000085%; no homozygotes.

Submission:

GeneDx
Classification: Likely pathogenic. Last evaluated: 2016-11-21. Review status: criteria provided, single submitter. Criteria: GeneDx Variant Classification (06012015). Collection method: clinical testing. Allele origin: germline. Affected: yes.
Comment: The A61T variant has been reported previously in association with Van der Woude syndrome (de Lima et al., 2009). The variant was not observed in approximately 6,500 individuals of European and African American ancestry in the NHLBI Exome Sequencing Project, indicating it is not a common benign variant in these populations. A61T is a non-conservative amino acid substitution, which is likely to impact secondary protein structure as these residues differ in polarity, charge, size and/or other properties. This substitution occurs at a position within the IRF tryptophan pentad repeat DNA binding region that is conserved across species, and in silico analysis predicts this variant is probably damaging to the protein structure/function. Therefore, this variant is likely pathogenic; however, the possibility that it is benign cannot be excluded.